The following is an entry in ClinVar:

ClinVar aggregate classification (germline): Uncertain significance (1 of 4 stars; one submission).

Allele frequency attached by ClinVar (database versions not stated): gnomAD exomes below 0.00001.
gnomAD v4.1: 1 of 1,612,266 alleles (0.000062%); highest among the groups gnomAD compares: Non-Finnish European, 0.000085%; no homozygotes.

Submission:

Labcorp Genetics (formerly Invitae), Labcorp
Classification: Uncertain significance. Last evaluated: 2025-10-01. Review status: criteria provided, single submitter. Criteria: Invitae Variant Classification Sherloc (09022015). Collection method: clinical testing. Allele origin: germline.
Comment: This sequence change replaces isoleucine, which is neutral and non-polar, with threonine, which is neutral and polar, at codon 2495 of the FAT4 protein (p.Ile2495Thr). This variant is not present in population databases (gnomAD no frequency). This variant has not been reported in the literature in individuals affected with FAT4-related conditions. ClinVar contains an entry for this variant (Variation ID: 2703791). Invitae Evidence Modeling of protein sequence and biophysical properties (such as structural, functional, and spatial information, amino acid conservation, physicochemical variation, residue mobility, and thermodynamic stability) indicates that this missense variant is not expected to disrupt FAT4 protein function with a negative predictive value of 80%. In summary, the available evidence is currently insufficient to determine the role of this variant in disease. Therefore, it has been classified as a Variant of Uncertain Significance.

NM_001291303.3(FAT4):c.7490T>C (p.Ile2497Thr)

Gene: FAT4 (FAT atypical cadherin 4; plus strand). Cytogenetic location: 4q28.1.
Variant type: single nucleotide variant.
Coding change: c.7490T>C on transcript NM_001291303.3 (MANE Select); coding-DNA position 7490, T replaced by C.
Protein change: p.Ile2497Thr; replaces isoleucine 2497 with threonine.
Molecular consequence: missense variant.
Genome position (GRCh38, 1-based): chr4:125,448,500, T>C. VCF-style: chr4-125448500-T-C. GRCh37 (hg19) VCF-style: chr4-126369655-T-C.
Other names: c.7490T>C, p.Ile2497Thr (NM_001291285.3); c.7484T>C, p.Ile2495Thr (NM_024582.6); short protein forms I2495T, I2497T.
Identifiers: ClinVar variation 2703791 (VCV002703791.3), dbSNP rs2530889033, ClinGen allele CA358140139.
Genomic context (GRCh38, chr4:125,448,500, plus strand): 5'-TGCACACTTTCTCTTTTATAGGTTCCTTTGTCTTTGCGGTTACAGTCACAGATGCTGATA[T>C]TGGACCAAATTCTGAACTGCATTATTCTCTTTCGGGTAGAAATTCTGAAAAATTTCACAT-3'
Protein context (NP_001278232.1, residues 2487-2507): VFAVTVTDAD[Ile2497Thr]GPNSELHYSL